The following is an entry in ClinVar:

NM_006019.4(TCIRG1):c.2362C>A (p.Leu788Met)

Gene: TCIRG1 (T cell immune regulator 1, ATPase H+ transporting V0 subunit a3; plus strand). Cytogenetic location: 11q13.2.
Variant type: single nucleotide variant.
Coding change: c.2362C>A on transcript NM_006019.4 (MANE Select); coding-DNA position 2362, C replaced by A.
Protein change: p.Leu788Met; replaces leucine 788 with methionine.
Molecular consequence: missense variant.
Genome position (GRCh38, 1-based): chr11:68,050,612, C>A. VCF-style: chr11-68050612-C-A. GRCh37 (hg19) VCF-style: chr11-67818079-C-A.
Other names: c.1468C>A, p.Leu490Met (NM_001351059.2); c.1714C>A, p.Leu572Met (NM_006053.4); short protein forms L572M, L490M, L788M.
Identifiers: ClinVar variation 1381738 (VCV001381738.6), dbSNP rs1329759639, ClinGen allele CA381591889.

ClinVar aggregate classification (germline): Uncertain significance (1 of 4 stars; one submission).

Submission:

Labcorp Genetics (formerly Invitae), Labcorp
Classification: Uncertain significance. Last evaluated: 2025-09-02. Review status: criteria provided, single submitter. Criteria: Invitae Variant Classification Sherloc (09022015). Collection method: clinical testing. Allele origin: germline.
Comment: This sequence change replaces leucine, which is neutral and non-polar, with methionine, which is neutral and non-polar, at codon 788 of the TCIRG1 protein (p.Leu788Met). This variant is not present in population databases (gnomAD no frequency). This variant has not been reported in the literature in individuals affected with TCIRG1-related conditions. ClinVar contains an entry for this variant (Variation ID: 1381738). Invitae Evidence Modeling of protein sequence and biophysical properties (such as structural, functional, and spatial information, amino acid conservation, physicochemical variation, residue mobility, and thermodynamic stability) indicates that this missense variant is not expected to disrupt TCIRG1 protein function with a negative predictive value of 80%. In summary, the available evidence is currently insufficient to determine the role of this variant in disease. Therefore, it has been classified as a Variant of Uncertain Significance.